The following is an entry in ClinVar:

NM_212482.4(FN1):c.4468G>A (p.Gly1490Arg)

Gene: FN1 (fibronectin 1; minus strand). Cytogenetic location: 2q35.
Variant type: single nucleotide variant.
Coding change: c.4468G>A on transcript NM_212482.4 (MANE Select); coding-DNA position 4468, G replaced by A.
Protein change: p.Gly1490Arg; replaces glycine 1490 with arginine.
Molecular consequence: missense variant.
Genome position (GRCh38, 1-based): chr2:215,386,833, C>T on the plus strand (G>A on the coding strand, the complement: FN1 is on the minus strand). VCF-style: chr2-215386833-C-T. GRCh37 (hg19) VCF-style: chr2-216251556-C-T.
Other names: c.4468G>A, p.Gly1490Arg (NM_001306129.2, NM_001306130.2, NM_001365517.2 and 3 more transcripts); c.4195G>A, p.Gly1399Arg (NM_001306131.2, NM_001306132.2, NM_001365518.2 and 7 more transcripts); short protein forms G1399R, G1490R.
Identifiers: ClinVar variation 4805314 (VCV004805314.1).

ClinVar aggregate classification (germline): Uncertain significance (1 of 4 stars; one submission).

Submission:

Labcorp Genetics (formerly Invitae), Labcorp
Classification: Uncertain significance. Last evaluated: 2025-08-05. Review status: criteria provided, single submitter. Criteria: Invitae Variant Classification Sherloc (09022015). Collection method: clinical testing. Allele origin: germline.
Comment: This sequence change replaces glycine, which is neutral and non-polar, with arginine, which is basic and polar, at codon 1490 of the FN1 protein (p.Gly1490Arg). This variant is not present in population databases (gnomAD no frequency). This variant has not been reported in the literature in individuals affected with FN1-related conditions. An algorithm developed to predict the effect of missense changes on protein structure and function (PolyPhen-2) suggests that this variant is likely to be disruptive. In summary, the available evidence is currently insufficient to determine the role of this variant in disease. Therefore, it has been classified as a Variant of Uncertain Significance.